The following is an entry in ClinVar:

ClinVar aggregate classification (germline): Uncertain significance (1 of 4 stars; one submission).

Submission:

GeneDx
Classification: Uncertain significance. Last evaluated: 2021-02-19. Review status: criteria provided, single submitter. Criteria: GeneDx Variant Classification Process June 2021. Collection method: clinical testing. Allele origin: germline. Affected: yes.
Comment: Not observed in large population cohorts (Lek et al., 2016); In silico analysis supports that this missense variant does not alter protein structure/function; Has not been previously published as pathogenic or benign to our knowledge

NM_005982.4(SIX1):c.713T>G (p.Met238Arg)

Gene: SIX1 (SIX homeobox 1; minus strand). Cytogenetic location: 14q23.1.
Variant type: single nucleotide variant.
Coding change: c.713T>G on transcript NM_005982.4 (MANE Select); coding-DNA position 713, T replaced by G.
Protein change: p.Met238Arg; replaces methionine 238 with arginine.
Molecular consequence: missense variant.
Genome position (GRCh38, 1-based): chr14:60,646,425, A>C on the plus strand (T>G on the coding strand, the complement: SIX1 is on the minus strand). VCF-style: chr14-60646425-A-C. GRCh37 (hg19) VCF-style: chr14-61113143-A-C.
Other names: short protein forms M238R.
Identifiers: ClinVar variation 1308525 (VCV001308525.2), dbSNP rs915194188, ClinGen allele CA389909702.